The following is an entry in ClinVar:

ClinVar aggregate classification (germline): Pathogenic (1 of 4 stars; one submission).

Conditions:
Refsum disease, classic. Also called: HEREDOPATHIA ATACTICA POLYNEURITIFORMIS; HMSN IV; PHYTANIC ACID OXIDASE DEFICIENCY; PHYH-Related Refsum Disease. Identifiers: Orphanet 773, MedGen C5780941, MONDO:1060256, OMIM 266500. Disease mechanism: loss of function.

Submission:

Myriad Genetics, Inc.
Classification: Pathogenic for Refsum disease, classic. Last evaluated: 2024-05-14. Review status: criteria provided, single submitter. Criteria: Myriad Autosomal Dominant, Autosomal Recessive and X-Linked Classification Criteria (2023). Collection method: clinical testing. Allele origin: unknown.
Comment: NM_006214.3(PHYH):c.509del1ins14(S170Cfs*65) is expected to be pathogenic in the context of Refsum disease, PHYH-related. This variant is predicted to lead to an abnormal or absent protein product due to the creation of a premature termination codon in PHYH, a gene where loss-of-function variants are known to be pathogenic. Please note: this variant was assessed in the context of healthy population screening.

NM_006214.4(PHYH):c.509delinsGTATAAGAGACAGT (p.Ser170fs)

Gene: PHYH (phytanoyl-CoA 2-hydroxylase; minus strand). Cytogenetic location: 10p13.
Variant type: Indel.
Coding change: c.509delinsGTATAAGAGACAGT on transcript NM_006214.4 (MANE Select); coding-DNA position 509, C replaced by GTATAAGAGACAGT.
Protein change: p.Ser170fs; shifts the reading frame from serine 170.
Molecular consequence: frameshift variant. On other transcripts: intron variant (1).
Genome position (GRCh38, 1-based): chr10:13,288,529, G replaced by ACTGTCTCTTATAC on the plus strand (C replaced by GTATAAGAGACAGT on the coding strand, the reverse complement: PHYH is on the minus strand). VCF-style: chr10-13288529-G-ACTGTCTCTTATAC. GRCh37 (hg19) VCF-style: chr10-13330529-G-ACTGTCTCTTATAC.
Other names: c.209delinsGTATAAGAGACAGT, p.Ser70fs (NM_001037537.2, NM_001323080.2); c.515delinsGTATAAGAGACAGT, p.Ser172fs (NM_001323082.2); c.215delinsGTATAAGAGACAGT, p.Ser72fs (NM_001323084.2); c.415-4690delinsGTATAAGAGACAGT (NM_001323083.2); short protein forms S170fs, S172fs, S70fs, S72fs.
Identifiers: ClinVar variation 5011218 (VCV005011218.1).